The following is an entry in ClinVar:

NM_001711.6(BGN):c.807G>A (p.Glu269=)

Gene: BGN (biglycan; plus strand). Cytogenetic location: Xq28.
Variant type: single nucleotide variant.
Coding change: c.807G>A on transcript NM_001711.6 (MANE Select); coding-DNA position 807, G replaced by A.
Protein change: p.Glu269=; no amino-acid change (glutamic acid 269 retained).
Molecular consequence: synonymous variant.
Genome position (GRCh38, 1-based): chrX:153,507,083, G>A. VCF-style: chrX-153507083-G-A. GRCh37 (hg19) VCF-style: chrX-152772541-G-A.
Identifiers: ClinVar variation 1341655 (VCV001341655.11), dbSNP rs373201465, ClinGen allele CA10547336.

ClinVar aggregate classification (germline): Benign/Likely benign. Review status: criteria provided, multiple submitters, no conflicts (2 of 4 stars). 5 submissions from 5 submitters: Benign (2); Likely benign (2). 1 of the submissions does not count toward it. Last evaluated 2025-12-01.

Conditions:
BGN-related disorder. Also called: BGN-related condition.
Cardiovascular phenotype. Identifiers: MedGen CN230736.

Allele frequency attached by ClinVar (database versions not stated): gnomAD exomes 0.00010 and 0.00022; gnomAD 0.00016 and 0.00017; TOPMed 0.00017; ESP Exome Variant Server 0.00019; ExAC 0.00025.
gnomAD v4.1: 139 of 1,207,935 alleles (0.012%); highest among the groups gnomAD compares: Non-Finnish European, 0.0026%; no homozygotes.

Submissions (5):

Labcorp Genetics (formerly Invitae), Labcorp
Classification: Benign. Last evaluated: 2025-12-01. Review status: criteria provided, single submitter. Criteria: Invitae Variant Classification Sherloc (09022015). Collection method: clinical testing. Allele origin: germline.

Women's Health and Genetics/Laboratory Corporation of America, LabCorp
Classification: Benign. Last evaluated: 2024-08-11. Review status: criteria provided, single submitter. Criteria: LabCorp Variant Classification Summary - May 2015. Collection method: clinical testing. Allele origin: germline.

GeneDx
Classification: Likely benign. Last evaluated: 2021-05-07. Review status: criteria provided, single submitter. Criteria: GeneDx Variant Classification Process June 2021. Collection method: clinical testing. Allele origin: germline. Affected: yes.

Ambry Genetics
Classification: Likely benign for Cardiovascular phenotype. Last evaluated: 2020-08-21. Review status: criteria provided, single submitter. Criteria: Ambry Variant Classification Scheme 2023. Collection method: clinical testing. Allele origin: germline.

PreventionGenetics, part of Exact Sciences
Classification: Benign for BGN-related condition. Last evaluated: 2019-05-14. Review status: no assertion criteria provided. Collection method: clinical testing. Allele origin: germline. Not counted in ClinVar's aggregate classification.
Comment: This variant is classified as benign based on ACMG/AMP sequence variant interpretation guidelines (Richards et al. 2015 PMID: 25741868, with internal and published modifications).